The following is an entry in ClinVar:

NM_000245.4(MET):c.2715C>G (p.Ser905Arg)

Gene: MET (MET proto-oncogene, receptor tyrosine kinase; plus strand). Cytogenetic location: 7q31.2.
Variant type: single nucleotide variant.
Coding change: c.2715C>G on transcript NM_000245.4 (MANE Select); coding-DNA position 2715, C replaced by G.
Protein change: p.Ser905Arg; replaces serine 905 with arginine.
Molecular consequence: missense variant.
Genome position (GRCh38, 1-based): chr7:116,769,776, C>G. VCF-style: chr7-116769776-C-G. GRCh37 (hg19) VCF-style: chr7-116409830-C-G.
Other names: c.2769C>G, p.Ser923Arg (NM_001127500.3); c.2715C>G, p.Ser905Arg (NM_001324401.3); c.1425C>G, p.Ser475Arg (NM_001324402.2); short protein forms S905R, S923R, S475R.
Identifiers: ClinVar variation 3395130 (VCV003395130.1).

ClinVar aggregate classification (germline): Uncertain significance (1 of 4 stars; one submission).

Conditions:
Hereditary cancer-predisposing syndrome. Also called: Hereditary Cancer Syndrome; Tumor predisposition; Hereditary neoplastic syndrome; Neoplastic Syndromes, Hereditary. Identifiers: Orphanet 140162, MedGen C0027672, MeSH D009386, MONDO:0015356.

Submission:

Ambry Genetics
Classification: Uncertain significance for Hereditary cancer-predisposing syndrome. Last evaluated: 2024-08-11. Review status: criteria provided, single submitter. Criteria: Ambry Variant Classification Scheme 2023. Collection method: clinical testing. Allele origin: germline.
Comment: The p.S923R variant (also known as c.2769C>G), located in coding exon 11 of the MET gene, results from a C to G substitution at nucleotide position 2769. The serine at codon 923 is replaced by arginine, an amino acid with dissimilar properties. This amino acid position is conserved. In addition, this alteration is predicted to be tolerated by in silico analysis. Based on the available evidence, the clinical significance of this variant remains unclear.